The following is an entry in ClinVar:

NM_000270.4(PNP):c.171_172delinsTT (p.Arg58Ter)

Gene: PNP (purine nucleoside phosphorylase; plus strand). Cytogenetic location: 14q11.2.
Variant type: Indel.
Coding change: c.171_172delinsTT on transcript NM_000270.4 (MANE Select); coding-DNA positions 171 to 172, CC replaced by TT.
Protein change: p.Arg58Ter; replaces arginine 58 with a stop codon.
Molecular consequence: nonsense.
Genome position (GRCh38, 1-based): chr14:20,472,467-20,472,468, CC replaced by TT. VCF-style: chr14-20472467-CC-TT. GRCh37 (hg19) VCF-style: chr14-20940626-CC-TT.
Other names: short protein forms R58*.
Identifiers: ClinVar variation 1071551 (VCV001071551.8), dbSNP rs2139335365, ClinGen allele CA2499222550.
Genomic context (GRCh38, chr14:20,472,467, plus strand): 5'-TCTGACTGATAAATTAACTCAGGCCCAGATCTTTGACTACGGTGAAATCCCCAACTTTCC[CC>TT]GAAGTACAGGTACTGGCAAGGGAAAGTGGGGAATGGGACTGAGGGATGTTCTTGGAATTC-3'

ClinVar aggregate classification (germline): Pathogenic. Review status: criteria provided, multiple submitters, no conflicts (2 of 4 stars). 2 submissions from 2 submitters: Pathogenic (2). Last evaluated 2026-01-14.

Conditions:
Purine-nucleoside phosphorylase deficiency. Also called: Immunodeficiency due to purine nucleoside phosphorylase deficiency; NUCLEOSIDE PHOSPHORYLASE DEFICIENCY. Identifiers: Orphanet 760, MedGen C0268125, MONDO:0013171, OMIM 613179.

Submissions (2):

Labcorp Genetics (formerly Invitae), Labcorp
Classification: Pathogenic for Purine-nucleoside phosphorylase deficiency. Last evaluated: 2026-01-14. Review status: criteria provided, single submitter. Criteria: Invitae Variant Classification Sherloc (09022015). Collection method: clinical testing. Allele origin: germline.
Comment: This sequence change creates a premature translational stop signal (p.Arg58*) in the PNP gene. It is expected to result in an absent or disrupted protein product. Loss-of-function variants in PNP are known to be pathogenic (PMID: 24767876). Information on the frequency of this variant in the gnomAD database is not available, as this variant may be reported differently in the database. This variant has not been reported in the literature in individuals affected with PNP-related conditions. ClinVar contains an entry for this variant (Variation ID: 1071551). For these reasons, this variant has been classified as Pathogenic.

Fulgent Genetics
Classification: Pathogenic for Purine-nucleoside phosphorylase deficiency. Last evaluated: 2022-05-19. Review status: criteria provided, single submitter. Criteria: ACMG Guidelines, 2015. Collection method: clinical testing. Allele origin: unknown.

Literature cited by the submitters: PubMed 24767876 (cited by Labcorp Genetics (formerly Invitae), Labcorp).